The following is an entry in ClinVar:

NM_001458.5(FLNC):c.2081C>T (p.Ala694Val)

Gene: FLNC (filamin C; plus strand). Cytogenetic location: 7q32.1.
Variant type: single nucleotide variant.
Coding change: c.2081C>T on transcript NM_001458.5 (MANE Select); coding-DNA position 2081, C replaced by T.
Protein change: p.Ala694Val; replaces alanine 694 with valine.
Molecular consequence: missense variant.
Genome position (GRCh38, 1-based): chr7:128,841,527, C>T. VCF-style: chr7-128841527-C-T. GRCh37 (hg19) VCF-style: chr7-128481581-C-T.
Other names: c.2081C>T, p.Ala694Val (NM_001127487.2); c.2081C>T (NM_001458.4); short protein forms A694V.
Identifiers: ClinVar variation 1061634 (VCV001061634.11), dbSNP rs1315847764, ClinGen allele CA369228068.

ClinVar aggregate classification (germline): Conflicting classifications of pathogenicity. Review status: criteria provided, conflicting classifications (1 of 4 stars). 3 submissions from 3 submitters: Uncertain significance (2); Likely benign (1). Last evaluated 2025-07-09.

Conditions:
Distal myopathy with posterior leg and anterior hand involvement. Also called: WILLIAMS DISTAL MYOPATHY. Identifiers: Orphanet 63273, MedGen C3279722, MONDO:0013550, OMIM 614065.
Myofibrillar myopathy 5. Also called: Filaminopathy (type); FILAMINOPATHY, AUTOSOMAL DOMINANT. Identifiers: Orphanet 171445, MedGen C1836050, MONDO:0012289, OMIM 609524.
Hypertrophic cardiomyopathy 26. Also called: Cardiomyopathy, familial hypertrophic, 26. Identifiers: Orphanet 75249, MedGen C4310749, MONDO:0014883, OMIM 617047.
Cardiovascular phenotype. Identifiers: MedGen CN230736.

Allele frequency attached by ClinVar (database versions not stated): gnomAD exomes below 0.00001 and 0.00001; gnomAD 0.00001; TOPMed 0.00002.
gnomAD v4.1: 3 of 1,614,040 alleles (0.00019%); highest among the groups gnomAD compares: African/African-American, 0.0027%; no homozygotes.

Submissions (3):

Ambry Genetics
Classification: Uncertain significance for Cardiovascular phenotype. Last evaluated: 2025-07-09. Review status: criteria provided, single submitter. Criteria: Ambry Variant Classification Scheme 2023. Collection method: clinical testing. Allele origin: germline.
Comment: The p.A694V variant (also known as c.2081C>T), located in coding exon 13 of the FLNC gene, results from a C to T substitution at nucleotide position 2081. The alanine at codon 694 is replaced by valine, an amino acid with similar properties. This amino acid position is conserved. In addition, the in silico prediction for this alteration is inconclusive. Based on the available evidence, the clinical significance of this variant remains unclear.

New York Genome Center
Classification: Uncertain significance for Hypertrophic cardiomyopathy 26. Last evaluated: 2023-07-27. Review status: criteria provided, single submitter. Criteria: NYGC Assertion Criteria 2020. Collection method: clinical testing. Allele origin: germline. Observed: 1 heterozygote.
Comment: The c.2081C>T (p.Ala694Val) variant identified in the FLNC gene is located on exon 13 of this 48-exon gene and substitutes an Alanine for Valine at amino acid position 694 of the encoded protein. The p.Ala694 residue is within the 5th Filamin repeat of the protein (UniProtKB:Q14315). This variant is observed in 8 heterozygous alleles (MAF with 0 homozygotes) in population databases (gnomAD v2.1.1, gnomADv3.1.2, TOPMed Freeze 8), suggesting it is not a common benign variant in the populations represented in those databases. The c.2081C>T variant has been deposited to ClinVar as Likely Benign (ClinVar ID: 1061634) by a single submitter, and to our current knowledge it has not been reported in affected individuals in the literature. In silico algorithms are in favor of the variant’s damaging effect (REVEL score: 0.659). Functional studies are not available to provide more information about the variant’s damaging effect. Based on available evidence this c.2081C>T (p.Ala694Val) variant identified in the FLNC gene is classified as a Variant of Uncertain Significance.

Labcorp Genetics (formerly Invitae), Labcorp
Classification: Likely benign for Distal myopathy with posterior leg and anterior hand involvement; Myofibrillar myopathy 5; Hypertrophic cardiomyopathy 26. Last evaluated: 2022-08-09. Review status: criteria provided, single submitter. Criteria: Invitae Variant Classification Sherloc (09022015). Collection method: clinical testing. Allele origin: germline.